The following is an entry in ClinVar:

NM_022042.4(SLC26A1):c.1633C>T (p.Pro545Ser)

Genes: IDUA (alpha-L-iduronidase; plus strand), SLC26A1 (solute carrier family 26 member 1; minus strand). Cytogenetic location: 4p16.3.
Variant type: single nucleotide variant.
Coding change: c.1633C>T on transcript NM_022042.4 (MANE Select); coding-DNA position 1633, C replaced by T.
Protein change: p.Pro545Ser; replaces proline 545 with serine.
Molecular consequence: missense variant. On other transcripts: intron variant (2).
Genome position (GRCh38, 1-based): chr4:989,306, G>A on the plus strand (C>T on the coding strand, the complement: SLC26A1 is on the minus strand). VCF-style: chr4-989306-G-A. GRCh37 (hg19) VCF-style: chr4-983094-G-A.
Other names: c.1633C>T, p.Pro545Ser (NM_213613.4); c.576+1822C>T (NM_134425.4); c.299+1357G>A (NM_000203.5); short protein forms P545S.
Identifiers: ClinVar variation 64584 (VCV000064584.2), dbSNP rs387907485, ClinGen allele CA216451.

ClinVar aggregate classification (germline): Uncertain significance (0 of 4 stars; one submission).

Submission:

Martin Pollak Laboratory,  Beth Israel Deaconess Medical Center
Classification: Uncertain significance. Review status: no assertion criteria provided. Collection method: not provided. Allele origin: unknown.
Comment: Higher UCa2+ group
ClinVar note: Converted during submission from unknown to Uncertain significance.